The following is an entry in ClinVar:

NM_007294.4(BRCA1):c.514del (p.Gln172fs)

Gene: BRCA1 (BRCA1 DNA repair associated; minus strand). Cytogenetic location: 17q21.31.
Variant type: Deletion.
Coding change: c.514del on transcript NM_007294.4 (MANE Select); coding-DNA position 514, one base deleted (C; older notation c.514delC).
Protein change: p.Gln172fs; shifts the reading frame from glutamine 172.
Molecular consequence: frameshift variant. On other transcripts: non-coding transcript variant (1).
Genome position (GRCh38, 1-based): chr17:43,099,808, G deleted on the plus strand (C on the coding strand, the reverse complement: BRCA1 is on the minus strand). VCF-style (leftmost placement, unchanged base first): chr17-43099807-TG-T. GRCh37 (hg19) VCF-style: chr17-41251824-TG-T.
Other names: 633delC; c.436delC, p.Gln146Asnfs (NM_001408409.1, NM_001408411.1, NM_001408412.1 and 12 more transcripts); c.373delC, p.Gln125Asnfs (NM_001408410.1, NM_001408452.1, NM_001408453.1 and 60 more transcripts); c.433delC, p.Gln145Asnfs (NM_001408413.1, NM_001408416.1, NM_001408475.1 and 6 more transcripts); c.514delC, p.Gln172Asnfs (NM_001408418.1, NM_001408419.1, NM_001408420.1 and 95 more transcripts); c.511delC, p.Gln171Asnfs (NM_001408421.1, NM_001408424.1, NM_001408431.1 and 65 more transcripts); c.379delC, p.Gln127Asnfs (NM_001408451.1); c.370delC, p.Gln124Asnfs (NM_001408462.1, NM_001408463.1, NM_001408464.1 and 35 more transcripts); and 7 more; short protein forms Q172fs, Q125fs.
Identifiers: ClinVar variation 55421 (VCV000055421.38), dbSNP rs80357872, ClinGen allele CA003274.

ClinVar aggregate classification (germline): Pathogenic. Review status: reviewed by expert panel (3 of 4 stars). 17 submissions from 17 submitters: Pathogenic (1). 16 of the submissions do not count toward it. Last evaluated 2016-04-22.

Conditions:
Breast and/or ovarian cancer. Identifiers: MedGen CN221562.
Hereditary cancer-predisposing syndrome. Also called: Hereditary Cancer Syndrome; Hereditary neoplastic syndrome; Neoplastic Syndromes, Hereditary; Tumor predisposition. Identifiers: Orphanet 140162, MedGen C0027672, MeSH D009386, MONDO:0015356.
Breast-ovarian cancer, familial, susceptibility to, 1 (BROVCA1). Also called: BRCA1 Hereditary Breast and Ovarian Cancer; OVARIAN CANCER, SUSCEPTIBILITY TO. Identifiers: Orphanet 145, MedGen C2676676, MONDO:0011450, OMIM 604370. Disease mechanism: loss of function.
Hereditary breast ovarian cancer syndrome. Also called: BRCA1- and BRCA2-Associated Hereditary Breast and Ovarian Cancer; Hereditary breast and ovarian cancer syndrome; Hereditary breast and ovarian cancer syndrome (HBOC); Breast and ovarian cancer; Hereditary breast and/or ovarian cancer syndrome; Hereditary breast and ovarian cancer. Identifiers: Orphanet 145, MedGen C0677776, MeSH D061325, MONDO:0003582. Disease mechanism: loss of function.

Allele frequency attached by ClinVar (database versions not stated): gnomAD exomes below 0.00001; ExAC 0.00001; gnomAD 0.00001.

Submissions 1 to 9 of 17:

Evidence-based Network for the Interpretation of Germline Mutant Alleles (ENIGMA)
Classification: Pathogenic for Breast-ovarian cancer, familial, susceptibility to, 1. Last evaluated: 2016-04-22. Review status: reviewed by expert panel. Criteria: ENIGMA BRCA1/2 Classification Criteria (2015). Collection method: curation. Allele origin: germline.
Comment: Variant allele predicted to encode a truncated non-functional protein.

Labcorp Genetics (formerly Invitae), Labcorp
Classification: Pathogenic for Hereditary breast ovarian cancer syndrome. Last evaluated: 2025-12-01. Review status: criteria provided, single submitter. Criteria: Invitae Variant Classification Sherloc (09022015). Collection method: clinical testing. Allele origin: germline. Not counted in ClinVar's aggregate classification.
Comment: This sequence change creates a premature translational stop signal (p.Gln172Asnfs*62) in the BRCA1 gene. It is expected to result in an absent or disrupted protein product. Loss-of-function variants in BRCA1 are known to be pathogenic (PMID: 20104584). This variant is not present in population databases (gnomAD no frequency). This premature translational stop signal has been observed in individual(s) with breast, ovarian and pancreatic cancer (PMID: 10528853, 17591842, 21989927, 25682074, 26219728). This variant is also known as 633delC. ClinVar contains an entry for this variant (Variation ID: 55421). For these reasons, this variant has been classified as Pathogenic.

Molecular Diagnostics Laboratory, Catalan Institute of Oncology
Classification: Pathogenic for Hereditary cancer-predisposing syndrome. Last evaluated: 2025-06-19. Review status: criteria provided, single submitter. Criteria: ClinGen BRCA1BRCA2 ACMG Specifications BRCA1 V1.0.0. Collection method: clinical testing. Allele origin: germline. Not counted in ClinVar's aggregate classification.
Comment: PVS1, PM5_PTC_Strong c.514del, located in exon 7 (8 according BIC nomenclature) of the BRCA1 gene, consists in the deletion of 1 nucleotide causing a translational frameshift with a predicted alternate stop codon, p.(Gln172Asnfs*62).This alteration is expected to result in loss of function by premature protein truncation and nonsense-mediated mRNA decay (PVS1, PM5_PTC_Strong). No effect is predicted on splicing by SpliceAI. It is not present in the population database gnomAD v2.1.1, non cancer dataset. To our knowledge, no functional studies has been reported for this variant. In addition, the variant was also identified in the following databases: BRCA Exchange (pathogenic: �Variant allele predicted to encode a truncated non-functional protein�), ClinVar (15x pathogenic) and LOVD (12x pathogenic, 1x not classified, 1x uncertain significance). Based on currently available information, c.514del is classified as a pathogenic variant according to ClinGen-BRCA1 Guidelines version v1.0.0.

Ambry Genetics
Classification: Pathogenic for Hereditary cancer-predisposing syndrome. Last evaluated: 2024-09-13. Review status: criteria provided, single submitter. Criteria: Ambry Variant Classification Scheme 2023. Collection method: clinical testing. Allele origin: germline. Not counted in ClinVar's aggregate classification.
Comment: The c.514delC pathogenic mutation, located in coding exon 6 of the BRCA1 gene, results from a deletion of one nucleotide at nucleotide position 514, causing a translational frameshift with a predicted alternate stop codon (p.Q172Nfs*62). This mutation has been reported in multiple individuals and families affected with hereditary breast and ovarian cancer (HBOC) syndrome (van Orsouw NJ et al. J Med Genet. 1999 Oct;36(10):747-53; Nedelcu R et al. Eur. J. Hum. Genet. 2002 Feb;10(2):150-2; Nanda R et al. JAMA 2005 Oct;294(15):1925-33; Russo A et al. Breast Cancer Res. Treat. 2007 Nov;105(3):267-76; Tai YC et al. J Natl Cancer Inst. 2007 Dec;99(23):1811-4; Miolo G et al. BMC Cancer 2009 Oct;9:360; Ghiorzo P et al. Fam Cancer. 2012 Mar;11(1):41-7; Incorvaia L et al. Cancers (Basel), 2020 May;12; Fanale D et al. Cancers (Basel), 2020 Aug;12). Of note, this alteration is also designated as 633delC in published literature. In addition to the clinical data presented in the literature, this alteration is expected to result in loss of function by premature protein truncation or nonsense-mediated mRNA decay. As such, this alteration is interpreted as a disease-causing mutation.

Women's Health and Genetics/Laboratory Corporation of America, LabCorp
Classification: Pathogenic for Hereditary breast ovarian cancer syndrome. Last evaluated: 2024-04-10. Review status: criteria provided, single submitter. Criteria: LabCorp Variant Classification Summary - May 2015. Collection method: clinical testing. Allele origin: germline. Not counted in ClinVar's aggregate classification.
Comment: Variant summary: BRCA1 c.514delC (p.Gln172AsnfsX62) results in a premature termination codon, predicted to cause a truncation of the encoded protein or absence of the protein due to nonsense mediated decay, which are commonly known mechanisms for disease. The variant allele was found at a frequency of 4e-06 in 251472 control chromosomes. c.514delC has been reported in the literature in multiple individuals affected with Hereditary Breast And Ovarian Cancer Syndrome. These data indicate that the variant is very likely to be associated with disease. To our knowledge, no experimental evidence demonstrating an impact on protein function has been reported. The following publications have been ascertained in the context of this evaluation (PMID: 27062684, 18042939, 25682074). ClinVar contains an entry for this variant (Variation ID: 55421). Based on the evidence outlined above, the variant was classified as pathogenic.

Baylor Genetics
Classification: Pathogenic for Breast-ovarian cancer, familial, susceptibility to, 1. Last evaluated: 2024-03-29. Review status: criteria provided, single submitter. Criteria: ACMG Guidelines, 2015. Collection method: clinical testing. Allele origin: unknown. Not counted in ClinVar's aggregate classification.

Color Diagnostics, LLC DBA Color Health
Classification: Pathogenic for Hereditary cancer-predisposing syndrome. Last evaluated: 2024-02-29. Review status: criteria provided, single submitter. Criteria: ACMG Guidelines, 2015. Collection method: clinical testing. Allele origin: germline. Not counted in ClinVar's aggregate classification.
Comment: This variant deletes 1 nucleotide in exon 7 of the BRCA1 gene, creating a frameshift and premature translation stop signal. It is also known as 633delC according to the BIC nomenclature. This variant is expected to result in an absent or non-functional protein product. This variant has been observed in individuals with breast and/or ovarian cancer (PMID: 10528853, 17221156, 17591842, 25682074, 26219728, 30128899, 32854451, 33573335) and pancreatic cancer (PMID: 21989927). This variant has been identified in 1/251472 chromosomes in the general population by the Genome Aggregation Database (gnomAD). Loss of BRCA1 function is a known mechanism of disease. Based on the available evidence, this variant is classified as Pathogenic.

GeneDx
Classification: Pathogenic. Last evaluated: 2023-07-25. Review status: criteria provided, single submitter. Criteria: GeneDx Variant Classification Process June 2021. Collection method: clinical testing. Allele origin: germline. Affected: yes. Not counted in ClinVar's aggregate classification.
Comment: Frameshift variant predicted to result in protein truncation or nonsense mediated decay in a gene for which loss-of-function is a known mechanism of disease; Observed in several Hereditary Breast and Ovarian Cancer families (van Orsouw et al., 1999; Tai et al., 2007; Ghiorzo et al., 2012; Finch et al., 2015; Incorvaia et al., 2020); Truncating variants in this gene are considered pathogenic by a well-established clinical consortium and/or database; Not observed at significant frequency in large population cohorts (gnomAD); Also known as 633delC; This variant is associated with the following publications: (PMID: 27157322, 26219728, 25682074, 17591842, 20682393, 32438681, 28888541, 10528853, 18042939, 17221156, 27376475, 27566247, 21989927, 30128899, 29922827, 29907814, 29337092, 29625052, 26689913, 32854451, 30787465, 36139606, 34178674, 33573335, 32380732)

Revvity Omics, Revvity
Classification: Pathogenic. Last evaluated: 2022-05-25. Review status: criteria provided, single submitter. Criteria: ACMG Guidelines, 2015. Collection method: clinical testing. Allele origin: germline. Not counted in ClinVar's aggregate classification.